The following is an entry in ClinVar:

NM_020872.3(CNTN3):c.511C>T (p.Arg171Trp)

Gene: CNTN3 (contactin 3; minus strand). Cytogenetic location: 3p12.3.
Variant type: single nucleotide variant.
Coding change: c.511C>T on transcript NM_020872.3 (MANE Select); coding-DNA position 511, C replaced by T.
Protein change: p.Arg171Trp; replaces arginine 171 with tryptophan.
Molecular consequence: missense variant.
Genome position (GRCh38, 1-based): chr3:74,371,343, G>A on the plus strand (C>T on the coding strand, the complement: CNTN3 is on the minus strand). VCF-style: chr3-74371343-G-A. GRCh37 (hg19) VCF-style: chr3-74420494-G-A.
Other names: c.511C>T, p.Arg171Trp (NM_001393376.1); short protein forms R171W.
Identifiers: ClinVar variation 2653972 (VCV002653972.24), dbSNP rs1704333610, ClinGen allele CA353518466.

ClinVar aggregate classification (germline): Uncertain significance (1 of 4 stars; one submission).

Allele frequency attached by ClinVar (database versions not stated): gnomAD exomes below 0.00001; TOPMed below 0.00001.
gnomAD v4.1: 6 of 1,613,298 alleles (0.00037%); highest among the groups gnomAD compares: Non-Finnish European, 0.00051%; no homozygotes.

Submission:

CeGaT Center for Human Genetics Tuebingen
Classification: Uncertain significance. Last evaluated: 2023-09-01. Review status: criteria provided, single submitter. Criteria: CeGaT Center For Human Genetics Tuebingen Variant Classification Criteria Version 2. Collection method: clinical testing. Allele origin: germline. Affected: yes. Observed: 1 variant allele.
Comment: CNTN3: PM2, PP3